The following is an entry in ClinVar:

NM_001197104.2(KMT2A):c.11272G>C (p.Glu3758Gln)

Genes: KMT2A (lysine methyltransferase 2A; plus strand), TTC36-AS1 (TTC36 and KMT2A antisense RNA 1; minus strand). Cytogenetic location: 11q23.3.
Variant type: single nucleotide variant.
Coding change: c.11272G>C on transcript NM_001197104.2 (MANE Select); coding-DNA position 11272, G replaced by C.
Protein change: p.Glu3758Gln; replaces glutamic acid 3758 with glutamine.
Molecular consequence: missense variant.
Genome position (GRCh38, 1-based): chr11:118,519,743, G>C. VCF-style: chr11-118519743-G-C. GRCh37 (hg19) VCF-style: chr11-118390458-G-C.
Other names: c.11263G>C, p.Glu3755Gln (NM_005933.4); short protein forms E3755Q, E3758Q.
Identifiers: ClinVar variation 1706164 (VCV001706164.2), dbSNP rs2135283380, ClinGen allele CA382833012.

ClinVar aggregate classification (germline): Uncertain significance (1 of 4 stars; one submission).

Submission:

GeneDx
Classification: Uncertain significance. Last evaluated: 2022-03-16. Review status: criteria provided, single submitter. Criteria: GeneDx Variant Classification Process June 2021. Collection method: clinical testing. Allele origin: germline. Affected: yes.
Comment: Not observed at significant frequency in large population cohorts (gnomAD); In silico analysis supports that this missense variant does not alter protein structure/function; Has not been previously published as pathogenic or benign to our knowledge